The following is an entry in ClinVar:

ClinVar aggregate classification (germline): Uncertain significance (1 of 4 stars; one submission).

Conditions:
Congenital disorder of glycosylation, type Iaa. Also called: Congenital disorder of glycosylation, type 1aa. Identifiers: MedGen C4310727, MONDO:0014904, OMIM 617082.

Allele frequency attached by ClinVar (database versions not stated): gnomAD 0.00001.
gnomAD v4.1: 2 of 1,612,626 alleles (0.00012%); highest among the groups gnomAD compares: African/African-American, 0.0027%; no homozygotes.

Submission:

Labcorp Genetics (formerly Invitae), Labcorp
Classification: Uncertain significance for Congenital disorder of glycosylation, type Iaa. Last evaluated: 2026-01-05. Review status: criteria provided, single submitter. Criteria: Invitae Variant Classification Sherloc (09022015). Collection method: clinical testing. Allele origin: germline.
Comment: This sequence change replaces glutamine, which is neutral and polar, with histidine, which is basic and polar, at codon 209 of the NUS1 protein (p.Gln209His). This variant is present in population databases (no rsID available, gnomAD 0.01%). This variant has not been reported in the literature in individuals affected with NUS1-related conditions. ClinVar contains an entry for this variant (Variation ID: 2116188). An algorithm developed to predict the effect of missense changes on protein structure and function (PolyPhen-2) suggests that this variant is likely to be tolerated. In summary, the available evidence is currently insufficient to determine the role of this variant in disease. Therefore, it has been classified as a Variant of Uncertain Significance.

NM_138459.5(NUS1):c.627G>T (p.Gln209His)

Gene: NUS1 (NUS1 dehydrodolichyl diphosphate synthase subunit; plus strand). Cytogenetic location: 6q22.1.
Variant type: single nucleotide variant.
Coding change: c.627G>T on transcript NM_138459.5 (MANE Select); coding-DNA position 627, G replaced by T.
Protein change: p.Gln209His; replaces glutamine 209 with histidine.
Molecular consequence: missense variant.
Genome position (GRCh38, 1-based): chr6:117,694,116, G>T. VCF-style: chr6-117694116-G-T. GRCh37 (hg19) VCF-style: chr6-118015279-G-T.
Other names: short protein forms Q209H.
Identifiers: ClinVar variation 2116188 (VCV002116188.4), dbSNP rs1279878128, ClinGen allele CA365537091.
Genomic context (GRCh38, chr6:117,694,116, plus strand): 5'-GGTGCTGTCTCCGGAAGATGGAAAAGCAGATATTGTAAGAGCTGCTCAGGACTTTTGCCA[G>T]TTAGTAGCCCAGAAGCAAAAGAGACCCACAGATTTGGATGTAGATACGTTAGCCAGTTTA-3'
Protein context (NP_612468.1, residues 199-219): DIVRAAQDFC[Gln209His]LVAQKQKRPT